The following is an entry in ClinVar:

ClinVar aggregate classification (germline): Likely pathogenic (1 of 4 stars; one submission).

Conditions:
Nemaline myopathy 2 (NEM2). Also called: Nemaline myopathy 2, autosomal recessive. Identifiers: MedGen C1850569, MONDO:0009725, OMIM 256030.

Submission:

Natera, Inc.
Classification: Likely pathogenic for Nemaline myopathy type 2. Last evaluated: 2024-09-10. Review status: criteria provided, single submitter. Criteria: Natera Variant Classification Schema (03/2026). Collection method: clinical testing. Allele origin: germline.
Comment: The c.8436_8437insTGAA variant in NEB is a frameshift variant predicted to shift the reading frame and introduce a stop codon. This variant is expected to result in nonsense mediated decay, truncation, or a dysfunctional protein product. This variant is rare in the general population with a frequency below the threshold expected for the associated phenotype(s). Given the available evidence, this variant is classified as Likely Pathogenic.

NM_001164508.2(NEB):c.8436_8437insTGAA (p.Asp2813Ter)

Gene: NEB (nebulin; minus strand). Cytogenetic location: 2q23.3.
Variant type: Insertion.
Coding change: c.8436_8437insTGAA on transcript NM_001164508.2 (MANE Select); coding-DNA positions 8436 to 8437, TGAA inserted.
Protein change: p.Asp2813Ter; replaces aspartic acid 2813 with a stop codon.
Molecular consequence: nonsense.
Genome position: GRCh38 VCF-style: chr2-151640603-C-CTTCA. GRCh37 (hg19) VCF-style: chr2-152497117-C-CTTCA.
Other names: c.8436_8437insTGAA, p.Asp2813Ter (NM_001164507.2, NM_001271208.2, NM_004543.5); short protein forms D2813*.
Identifiers: ClinVar variation 4814792 (VCV004814792.1).